The following is an entry in ClinVar:

ClinVar aggregate classification (germline): Benign/Likely benign. Review status: criteria provided, multiple submitters, no conflicts (2 of 4 stars). 4 submissions from 4 submitters: Benign (2); Likely benign (1). 1 of the submissions does not count toward it. Last evaluated 2026-02-03.

Conditions:
PPP3CA-related disorder. Also called: PPP3CA-related condition; PPP3CA-related disorders.
Developmental and epileptic encephalopathy 91. Also called: EPILEPTIC ENCEPHALOPATHY, INFANTILE OR EARLY CHILDHOOD, 1. Identifiers: MedGen C4540199, MONDO:0020630, OMIM 617711.
Arthrogryposis, cleft palate, craniosynostosis, and impaired intellectual development. Identifiers: Orphanet 565858, MedGen C4748872, MONDO:0032642, OMIM 618265.

Allele frequency attached by ClinVar (database versions not stated): gnomAD exomes 0.00146 and 0.00377; ExAC 0.00444; gnomAD 0.01397 and 0.01493; ESP Exome Variant Server 0.01515; TOPMed 0.01571; 1000 Genomes Project 0.01657; 1000 Genomes Project 30x 0.01671.
gnomAD v4.1: 4,292 of 1,607,742 alleles (0.27%); highest among the groups gnomAD compares: African/African-American, 4.9%; 117 homozygotes.

Submissions (4):

Labcorp Genetics (formerly Invitae), Labcorp
Classification: Benign. Last evaluated: 2026-02-03. Review status: criteria provided, single submitter. Criteria: Invitae Variant Classification Sherloc (09022015). Collection method: clinical testing. Allele origin: germline.

Fulgent Genetics
Classification: Likely benign for Developmental and epileptic encephalopathy 91; Arthrogryposis, cleft palate, craniosynostosis, and impaired intellectual development. Last evaluated: 2021-10-04. Review status: criteria provided, single submitter. Criteria: ACMG Guidelines, 2015. Collection method: clinical testing. Allele origin: unknown.

Breakthrough Genomics
Classification: Benign. Review status: criteria provided, single submitter. Criteria: ACMG Guidelines, 2015. Collection method: not provided. Allele origin: germline. Inheritance: Autosomal dominant inheritance. Affected: yes.

PreventionGenetics, part of Exact Sciences
Classification: Benign for PPP3CA-related condition. Last evaluated: 2019-04-17. Review status: no assertion criteria provided. Collection method: clinical testing. Allele origin: germline. Not counted in ClinVar's aggregate classification.
Comment: This variant is classified as benign based on ACMG/AMP sequence variant interpretation guidelines (Richards et al. 2015 PMID: 25741868, with internal and published modifications).

NM_000944.5(PPP3CA):c.1156+7G>T

Gene: PPP3CA (protein phosphatase 3 catalytic subunit alpha; minus strand). Cytogenetic location: 4q24.
Variant type: single nucleotide variant.
Coding change: c.1156+7G>T on transcript NM_000944.5 (MANE Select); 7 bases into the intron after coding-DNA position 1156, G replaced by T.
Molecular consequence: intron variant.
Genome position (GRCh38, 1-based): chr4:101,061,080, C>A on the plus strand (G>T on the coding strand, the complement: PPP3CA is on the minus strand). VCF-style: chr4-101061080-C-A. GRCh37 (hg19) VCF-style: chr4-101982237-C-A.
Other names: c.1030+7G>T (NM_001130692.2); c.1156+7G>T (NM_001130691.2).
Identifiers: ClinVar variation 777147 (VCV000777147.14), dbSNP rs79436394, ClinGen allele CA3024330.
Genomic context (GRCh38, chr4:101,061,080, plus strand): 5'-ATTTAGCAATGAGACTCTAAGTAATTATCTGGCAAATAGCATTAGCACAAAGGCTCAAGC[C>A]TCTTACCATCAAATCCATCTTCTTCTGACCCTAGTTCATCATCTGAGCAGATGTTGAGGA-3'